The following is an entry in ClinVar:

NM_001367873.1(SOX6):c.2183+7A>G

Gene: SOX6 (SRY-box transcription factor 6; minus strand). Cytogenetic location: 11p15.2.
Variant type: single nucleotide variant.
Coding change: c.2183+7A>G on transcript NM_001367873.1 (MANE Select); 7 bases into the intron after coding-DNA position 2183, A replaced by G.
Molecular consequence: intron variant.
Genome position (GRCh38, 1-based): chr11:15,986,197, T>C on the plus strand (A>G on the coding strand, the complement: SOX6 is on the minus strand). VCF-style: chr11-15986197-T-C. GRCh37 (hg19) VCF-style: chr11-16007743-T-C.
Other names: c.2060+7A>G (NM_001367872.1); c.2123+7A>G (NM_033326.3); c.2102+7A>G (NM_001145811.2, NM_017508.3); c.2183+7A>G (NM_001145819.2); c.2222+7A>G (NM_001145819.1).
Identifiers: ClinVar variation 1189992 (VCV001189992.13), dbSNP rs146661971, ClinGen allele CA5897963.

ClinVar aggregate classification (germline): Benign/Likely benign. Review status: criteria provided, multiple submitters, no conflicts (2 of 4 stars). 4 submissions from 4 submitters: Benign (1); Likely benign (2). 1 of the submissions does not count toward it. Last evaluated 2026-01-17.

Conditions:
SOX6-related disorder. Also called: SOX6-related condition.

Allele frequency attached by ClinVar (database versions not stated): 1000 Genomes Project 0.00499; 1000 Genomes Project 30x 0.00515; gnomAD exomes 0.01140 and 0.01597; ExAC 0.01151; gnomAD 0.01170 and 0.01235; TOPMed 0.01220; ESP Exome Variant Server 0.01332.
gnomAD v4.1: 24,946 of 1,613,764 alleles (1.5%); highest among the groups gnomAD compares: Non-Finnish European, 1.9%; 230 homozygotes.

Submissions (4):

Labcorp Genetics (formerly Invitae), Labcorp
Classification: Benign. Last evaluated: 2026-01-17. Review status: criteria provided, single submitter. Criteria: Invitae Variant Classification Sherloc (09022015). Collection method: clinical testing. Allele origin: germline.

GeneDx
Classification: Likely benign. Last evaluated: 2020-06-05. Review status: criteria provided, single submitter. Criteria: GeneDx Variant Classification Process June 2021. Collection method: clinical testing. Allele origin: germline. Affected: yes.

Breakthrough Genomics
Classification: Likely benign. Review status: criteria provided, single submitter. Criteria: ACMG Guidelines, 2015. Collection method: not provided. Allele origin: germline. Inheritance: Autosomal dominant inheritance. Affected: yes.

PreventionGenetics, part of Exact Sciences
Classification: Benign for SOX6-related condition. Last evaluated: 2019-02-25. Review status: no assertion criteria provided. Collection method: clinical testing. Allele origin: germline. Not counted in ClinVar's aggregate classification.
Comment: This variant is classified as benign based on ACMG/AMP sequence variant interpretation guidelines (Richards et al. 2015 PMID: 25741868, with internal and published modifications).